The following is an entry in ClinVar:

ClinVar aggregate classification (germline): Benign/Likely benign. Review status: criteria provided, multiple submitters, no conflicts (2 of 4 stars). 4 submissions from 4 submitters: Benign (1); Likely benign (3). Last evaluated 2026-06-03.

Conditions:
Hereditary cancer-predisposing syndrome. Also called: Neoplastic Syndromes, Hereditary; Hereditary neoplastic syndrome; Hereditary Cancer Syndrome; Tumor predisposition. Identifiers: Orphanet 140162, MedGen C0027672, MeSH D009386, MONDO:0015356.
Gastrointestinal stromal tumor. Also called: Gastrointestinal stromal tumor, somatic; Gastrointestinal stroma tumor. Identifiers: Orphanet 44890, MedGen C0238198, MeSH D046152, MONDO:0011719, OMIM 606764, HP:0100723.

Allele frequency attached by ClinVar (database versions not stated): TOPMed 0.00001.
gnomAD v4.1: 6 of 1,613,638 alleles (0.00037%); highest among the groups gnomAD compares: Non-Finnish European, 0.00042%; no homozygotes.

Submissions (4):

Myriad Genetics, Inc.
Classification: Benign for Gastrointestinal stromal tumor. Last evaluated: 2026-06-03. Review status: criteria provided, single submitter. Criteria: Myriad Autosomal Dominant, Autosomal Recessive and X-Linked Classification Criteria (2023). Collection method: clinical testing. Allele origin: unknown.
Comment: This variant is considered benign. This variant is a silent/synonymous amino acid change and it is not expected to impact splicing.

Labcorp Genetics (formerly Invitae), Labcorp
Classification: Likely benign for Gastrointestinal stromal tumor. Last evaluated: 2026-01-17. Review status: criteria provided, single submitter. Criteria: Invitae Variant Classification Sherloc (09022015). Collection method: clinical testing. Allele origin: germline.

Blueprint Genetics
Classification: Likely benign. Last evaluated: 2024-05-30. Review status: criteria provided, single submitter. Criteria: ACMG Guidelines, 2015. Collection method: clinical testing. Allele origin: germline.

Ambry Genetics
Classification: Likely benign for Hereditary cancer-predisposing syndrome. Last evaluated: 2019-09-06. Review status: criteria provided, single submitter. Criteria: Ambry Variant Classification Scheme 2023. Collection method: clinical testing. Allele origin: germline.

NM_000222.3(KIT):c.840G>A (p.Ala280=)

Gene: KIT (KIT proto-oncogene, receptor tyrosine kinase; plus strand). Cytogenetic location: 4q12.
Variant type: single nucleotide variant.
Coding change: c.840G>A on transcript NM_000222.3 (MANE Select); coding-DNA position 840, G replaced by A.
Protein change: p.Ala280=; no amino-acid change (alanine 280 retained).
Molecular consequence: synonymous variant.
Genome position (GRCh38, 1-based): chr4:54,703,807, G>A. VCF-style: chr4-54703807-G-A. GRCh37 (hg19) VCF-style: chr4-55569973-G-A.
Other names: c.840G>A, p.Ala280= (NM_001093772.2, NM_001385285.1, NM_001385286.1); c.843G>A, p.Ala281= (NM_001385284.1, NM_001385288.1, NM_001385290.1 and 1 more transcripts).
Identifiers: ClinVar variation 699721 (VCV000699721.17), dbSNP rs142772432, ClinGen allele CA2923327.
Genomic context (GRCh38, chr4:54,703,807, plus strand): 5'-TAGCTGGCATCACGGTGACTTCAATTATGAACGTCAGGCAACGTTGACTATCAGTTCAGC[G>A]AGAGTTAATGATTCTGGAGTGTTCATGTGTTATGCCAATAATACTTTTGGATCAGCAAAT-3'
Protein context (NP_000213.1, residues 270-290): ERQATLTISS[Ala280=]RVNDSGVFMC